The following is an entry in ClinVar:

ClinVar aggregate classification (germline): Uncertain significance (1 of 4 stars; one submission).

Conditions:
Deficiency of adenosine deaminase 2. Also called: Adenosine Deaminase 2 Deficiency; VASCULITIS, AUTOINFLAMMATION, IMMUNODEFICIENCY, AND HEMATOLOGIC DEFECTS SYNDROME; Polyarteritis nodosa, childhoood-onset. Identifiers: Orphanet 404553, MedGen C3887654, MONDO:0014306, OMIM 615688, MONDO:0100317.

Submission:

Labcorp Genetics (formerly Invitae), Labcorp
Classification: Uncertain significance for Deficiency of adenosine deaminase 2. Last evaluated: 2018-06-05. Review status: criteria provided, single submitter. Criteria: Invitae Variant Classification Sherloc (09022015). Collection method: clinical testing. Allele origin: germline.
Comment: This sequence change replaces arginine with proline at codon 312 of the ADA2 protein (p.Arg312Pro). The arginine residue is highly conserved and there is a moderate physicochemical difference between arginine and proline. This variant is not present in population databases (ExAC no frequency). This variant has not been reported in the literature in individuals with ADA2-related disease. Algorithms developed to predict the effect of missense changes on protein structure and function are either unavailable or do not agree on the potential impact of this missense change (SIFT: "Deleterious"; PolyPhen-2: "Possibly Damaging"; Align-GVGD: "Class C15"). In summary, the available evidence is currently insufficient to determine the role of this variant in disease. Therefore, it has been classified as a Variant of Uncertain Significance.

NM_001282225.2(ADA2):c.935G>C (p.Arg312Pro)

Gene: ADA2 (adenosine deaminase 2; minus strand). Cytogenetic location: 22q11.1.
Variant type: single nucleotide variant.
Coding change: c.935G>C on transcript NM_001282225.2 (MANE Select); coding-DNA position 935, G replaced by C.
Protein change: p.Arg312Pro; replaces arginine 312 with proline.
Molecular consequence: missense variant.
Genome position (GRCh38, 1-based): chr22:17,189,979, C>G on the plus strand (G>C on the coding strand, the complement: ADA2 is on the minus strand). VCF-style: chr22-17189979-C-G. GRCh37 (hg19) VCF-style: chr22-17670869-C-G.
Other names: c.935G>C, p.Arg312Pro (NM_001282226.2); c.809G>C, p.Arg270Pro (NM_001282227.2, NM_001282228.2); c.575G>C, p.Arg192Pro (NM_001282229.2); c.212G>C, p.Arg71Pro (NM_177405.3); short protein forms R312P, R270P, R71P, R192P.
Identifiers: ClinVar variation 573691 (VCV000573691.9), dbSNP rs746970158, ClinGen allele CA410233710.